The following is an entry in ClinVar:

NM_003846.3(PEX11B):c.767G>A (p.Arg256Gln)

Gene: PEX11B (peroxisomal biogenesis factor 11 beta; minus strand). Cytogenetic location: 1q21.1.
Variant type: single nucleotide variant.
Coding change: c.767G>A on transcript NM_003846.3 (MANE Select); coding-DNA position 767, G replaced by A.
Protein change: p.Arg256Gln; replaces arginine 256 with glutamine.
Molecular consequence: missense variant. On other transcripts: non-coding transcript variant (3).
Genome position (GRCh38, 1-based): chr1:145,912,174, C>T on the plus strand (G>A on the coding strand, the complement: PEX11B is on the minus strand). VCF-style: chr1-145912174-C-T. GRCh37 (hg19) VCF-style: chr1-145522906-G-A.
Other names: c.725G>A, p.Arg242Gln (NM_001184795.1); c.767G>A (NM_003846.2); short protein forms R256Q, R242Q.
Identifiers: ClinVar variation 596526 (VCV000596526.12), dbSNP rs200919340, ClinGen allele CA1055664.

ClinVar aggregate classification (germline): Uncertain significance. Review status: criteria provided, multiple submitters, no conflicts (2 of 4 stars). 4 submissions from 4 submitters: Uncertain significance (4). Last evaluated 2023-11-04.

Conditions:
Peroxisome biogenesis disorder 14B (PEX14B). Identifiers: Orphanet 44, MedGen C3554055, MONDO:0013967, OMIM 614920.
Inborn genetic diseases. Identifiers: MedGen C0950123, MeSH D030342.

Allele frequency attached by ClinVar (database versions not stated): gnomAD 0.00005; ExAC 0.00008; TOPMed 0.00006; ESP Exome Variant Server 0.00008; gnomAD exomes 0.00009.
gnomAD v4.1: 87 of 1,604,532 alleles (0.0054%); highest among the groups gnomAD compares: South Asian, 0.047%; no homozygotes.

Submissions (4):

Ambry Genetics
Classification: Uncertain significance for Inborn genetic diseases. Last evaluated: 2023-11-04. Review status: criteria provided, single submitter. Criteria: Ambry Variant Classification Scheme 2023. Collection method: clinical testing. Allele origin: germline.

Labcorp Genetics (formerly Invitae), Labcorp
Classification: Uncertain significance. Last evaluated: 2022-08-21. Review status: criteria provided, single submitter. Criteria: Invitae Variant Classification Sherloc (09022015). Collection method: clinical testing. Allele origin: germline.
Comment: This sequence change replaces arginine, which is basic and polar, with glutamine, which is neutral and polar, at codon 256 of the PEX11B protein (p.Arg256Gln). This variant is present in population databases (rs200919340, gnomAD 0.04%). This variant has not been reported in the literature in individuals affected with PEX11B-related conditions. ClinVar contains an entry for this variant (Variation ID: 596526). Algorithms developed to predict the effect of missense changes on protein structure and function (SIFT, PolyPhen-2, Align-GVGD) all suggest that this variant is likely to be tolerated. In summary, the available evidence is currently insufficient to determine the role of this variant in disease. Therefore, it has been classified as a Variant of Uncertain Significance.

Fulgent Genetics
Classification: Uncertain significance for Peroxisome biogenesis disorder 14B. Last evaluated: 2022-02-23. Review status: criteria provided, single submitter. Criteria: ACMG Guidelines, 2015. Collection method: clinical testing. Allele origin: unknown.

Eurofins Ntd Llc (ga)
Classification: Uncertain significance. Last evaluated: 2018-03-16. Review status: criteria provided, single submitter. Criteria: EGL ClinVar v180209 classification definitions. Collection method: clinical testing. Allele origin: germline. Observed: 1 variant allele, 1 heterozygote.